The following is an entry in ClinVar:

ClinVar aggregate classification (germline): Likely benign (1 of 4 stars; one submission).

Allele frequency attached by ClinVar (database versions not stated): ExAC 0.00004; gnomAD exomes 0.00009; TOPMed 0.00012; gnomAD 0.00019.
gnomAD v4.1: 122 of 1,206,585 alleles (0.01%); highest among the groups gnomAD compares: Middle Eastern, 0.069%; no homozygotes.

Submission:

CeGaT Center for Human Genetics Tuebingen
Classification: Likely benign. Last evaluated: 2023-01-01. Review status: criteria provided, single submitter. Criteria: CeGaT Center For Human Genetics Tuebingen Variant Classification Criteria Version 2. Collection method: clinical testing. Allele origin: germline. Affected: yes. Observed: 1 variant allele.
Comment: RBM10: BS2

NM_005676.5(RBM10):c.1575+45G>A

Gene: RBM10 (RNA binding motif protein 10; plus strand). Cytogenetic location: Xp11.3.
Variant type: single nucleotide variant.
Coding change: c.1575+45G>A on transcript NM_005676.5 (MANE Select); 45 bases into the intron after coding-DNA position 1575, G replaced by A.
Molecular consequence: intron variant.
Genome position (GRCh38, 1-based): chrX:47,181,691, G>A. VCF-style: chrX-47181691-G-A. GRCh37 (hg19) VCF-style: chrX-47041090-G-A.
Other names: c.1344+45G>A (NM_001204466.2); c.1341+45G>A (NM_152856.3); c.1770+45G>A (NM_001204468.2); c.1572+45G>A (NM_001204467.2).
Identifiers: ClinVar variation 2660402 (VCV002660402.24), dbSNP rs781863748, ClinGen allele CA10395314.